The following is an entry in ClinVar:

NM_001165963.4(SCN1A):c.4292T>G (p.Phe1431Cys)

Genes: SCN1A (sodium voltage-gated channel alpha subunit 1; minus strand), LOC102724058 (uncharacterized LOC102724058; plus strand). Cytogenetic location: 2q24.3.
Variant type: single nucleotide variant.
Coding change: c.4292T>G on transcript NM_001165963.4 (MANE Select); coding-DNA position 4292, T replaced by G.
Protein change: p.Phe1431Cys; replaces phenylalanine 1431 with cysteine.
Molecular consequence: missense variant. On other transcripts: non-coding transcript variant (1).
Genome position (GRCh38, 1-based): chr2:165,999,769, A>C on the plus strand (T>G on the coding strand, the complement: SCN1A is on the minus strand). VCF-style: chr2-165999769-A-C. GRCh37 (hg19) VCF-style: chr2-166856279-A-C.
Other names: c.4208T>G, p.Phe1403Cys (NM_001165964.3, NM_001353957.2, NM_001353958.2); c.4292T>G, p.Phe1431Cys (NM_001202435.3, NM_001353948.2); c.4259T>G, p.Phe1420Cys (NM_001353949.2, NM_001353950.2, NM_001353951.2 and 2 more transcripts); c.4256T>G, p.Phe1419Cys (NM_001353954.2, NM_001353955.2); c.4205T>G, p.Phe1402Cys (NM_001353960.2); c.1850T>G, p.Phe617Cys (NM_001353961.2); short protein forms F1402C, F617C, F1419C, F1431C, F1403C, F1420C.
Identifiers: ClinVar variation 3571540 (VCV003571540.1).

ClinVar aggregate classification (germline): Likely pathogenic (1 of 4 stars; one submission).

Submission:

Athena Diagnostics
Classification: Likely pathogenic. Last evaluated: 2024-07-29. Review status: criteria provided, single submitter. Criteria: Athena Diagnostics Criteria. Collection method: clinical testing. Allele origin: unknown.
Comment: This variant has not been reported in large, multi-ethnic general populations. This variant has been confirmed to occur de novo in at least one individual with Dravet syndrome. Polyphen and MutationTaster predict this amino acid change may be damaging to the protein. The variant is located in a region that is considered important for protein function and/or structure.